The following is an entry in ClinVar:

NM_000256.3(MYBPC3):c.1495T>C (p.Phe499Leu)

Gene: MYBPC3 (myosin binding protein C3; minus strand). Cytogenetic location: 11p11.2.
Variant type: single nucleotide variant.
Coding change: c.1495T>C on transcript NM_000256.3 (MANE Select); coding-DNA position 1495, T replaced by C.
Protein change: p.Phe499Leu; replaces phenylalanine 499 with leucine.
Molecular consequence: missense variant.
Genome position (GRCh38, 1-based): chr11:47,342,707, A>G on the plus strand (T>C on the coding strand, the complement: MYBPC3 is on the minus strand). VCF-style: chr11-47342707-A-G. GRCh37 (hg19) VCF-style: chr11-47364258-A-G.
Other names: short protein forms F499L.
Identifiers: ClinVar variation 922673 (VCV000922673.7), dbSNP rs2095890036, ClinGen allele CA380325243.

ClinVar aggregate classification (germline): Uncertain significance. Review status: criteria provided, multiple submitters, no conflicts (2 of 4 stars). 3 submissions from 3 submitters: Uncertain significance (3). Last evaluated 2025-11-02.

Conditions:
Cardiovascular phenotype. Identifiers: MedGen CN230736.
Hypertrophic cardiomyopathy. Also called: HYPERTROPHIC MYOCARDIOPATHY. Identifiers: Orphanet 217569, MedGen C0007194, MeSH D002312, MONDO:0005045, HP:0001639.
Cardiomyopathy (CMYO). Also called: Cardiomyopathies. Identifiers: Orphanet 167848, MedGen C0878544, MONDO:0004994, HP:0001638. Inheritance: Various modes of inheritance.

Allele frequency attached by ClinVar (database versions not stated): gnomAD exomes below 0.00001.
gnomAD v4.1: 2 of 1,613,926 alleles (0.00012%); highest among the groups gnomAD compares: Non-Finnish European, 0.00017%; no homozygotes.

Submissions (3):

Ambry Genetics
Classification: Uncertain significance for Cardiovascular phenotype. Last evaluated: 2025-11-02. Review status: criteria provided, single submitter. Criteria: Ambry Variant Classification Scheme 2023. Collection method: clinical testing. Allele origin: germline.
Comment: The p.F499L variant (also known as c.1495T>C), located in coding exon 17 of the MYBPC3 gene, results from a T to C substitution at nucleotide position 1495. The phenylalanine at codon 499 is replaced by leucine, an amino acid with highly similar properties. This amino acid position is conserved. In addition, the in silico prediction for this alteration is inconclusive. Based on the available evidence, the clinical significance of this variant remains unclear.

Color Diagnostics, LLC DBA Color Health
Classification: Uncertain significance for Cardiomyopathy. Last evaluated: 2023-12-05. Review status: criteria provided, single submitter. Criteria: ACMG Guidelines, 2015. Collection method: clinical testing. Allele origin: germline.
Comment: This missense variant replaces phenylalanine with leucine at codon 499 of the MYBPC3 protein. Computational prediction tools and conservation analyses are inconclusive regarding the impact of this variant on the protein function. Computational splicing tools suggest that this variant may not impact RNA splicing. To our knowledge, functional assays have not been performed for this variant nor has this variant been reported in individuals affected with cardiovascular disorders in the literature. This variant has not been identified in the general population by the Genome Aggregation Database (gnomAD). Available evidence is insufficient to determine the role of this variant in disease conclusively. Therefore, this variant is classified as a Variant of Uncertain Significance.

All of Us Research Program, National Institutes of Health
Classification: Uncertain significance for Hypertrophic cardiomyopathy. Last evaluated: 2023-03-28. Review status: criteria provided, single submitter. Criteria: ACMG Guidelines, 2015. Collection method: clinical testing. Allele origin: germline. Inheritance: Autosomal dominant inheritance. Observed: 1 variant allele, 1 heterozygote.
Comment: This missense variant replaces phenylalanine with leucine at codon 499 of the MYBPC3 protein. Computational prediction tools and conservation analyses are inconclusive regarding the impact of this variant on the protein function. Computational splicing tools suggest that this variant may not impact RNA splicing. To our knowledge, functional assays have not been performed for this variant nor has this variant been reported in individuals affected with cardiovascular disorders in the literature. This variant has not been identified in the general population by the Genome Aggregation Database (gnomAD). Available evidence is insufficient to determine the role of this variant in disease conclusively. Therefore, this variant is classified as a Variant of Uncertain Significance.

This study involves interpretation of variants in research participants for the purpose of population health screening. Participant phenotype was not available at the time of variant classification. Additional details can be found in publication PMID: 35346344, PMCID: PMC8962531